The following is an entry in ClinVar:

ClinVar aggregate classification (germline): Likely pathogenic (1 of 4 stars; one submission).

Conditions:
Niemann-Pick disease, type C1. Also called: NIEMANN-PICK DISEASE, VARIANT TYPE C1; NEUROVISCERAL STORAGE DISEASE WITH VERTICAL SUPRANUCLEAR OPHTHALMOPLEGIA; NIEMANN-PICK DISEASE WITH CHOLESTEROL ESTERIFICATION BLOCK; NIEMANN-PICK DISEASE WITHOUT SPHINGOMYELINASE DEFICIENCY; NIEMANN-PICK DISEASE, CHRONIC NEURONOPATHIC FORM. Identifiers: Orphanet 646, MedGen C3179455, MONDO:0009757, OMIM 257220.

Submission:

Natera, Inc.
Classification: Likely pathogenic for Niemann-Pick disease type C1. Last evaluated: 2024-09-30. Review status: criteria provided, single submitter. Criteria: Natera Variant Classification Schema (03/2026). Collection method: clinical testing. Allele origin: germline.
Comment: The c.2080del variant in NPC1 is a frameshift variant predicted to shift the reading frame beginning at codon 694 and leads to a stop codon 35 codons downstream. This variant is expected to result in nonsense mediated decay, truncation, or a dysfunctional protein product. This variant is rare in the general population with a frequency below the threshold expected for the associated phenotype(s). Given the available evidence, this variant is classified as Likely Pathogenic.

NM_000271.5(NPC1):c.2080del (p.Val694fs)

Gene: NPC1 (NPC intracellular cholesterol transporter 1; minus strand). Cytogenetic location: 18q11.2.
Variant type: Deletion.
Coding change: c.2080del on transcript NM_000271.5 (MANE Select); coding-DNA position 2080, one base deleted (G; older notation c.2080delG).
Protein change: p.Val694fs; shifts the reading frame from valine 694.
Molecular consequence: frameshift variant.
Genome position (GRCh38, 1-based): chr18:23,544,394, C deleted on the plus strand (G on the coding strand, the reverse complement: NPC1 is on the minus strand); the first of 2 consecutive C bases (chr18:23,544,394-23,544,395); deleting either gives the same sequence. VCF-style (leftmost placement, unchanged base first): chr18-23544393-AC-A. GRCh37 (hg19) VCF-style: chr18-21124357-AC-A.
Other names: short protein forms V694fs.
Identifiers: ClinVar variation 4818054 (VCV004818054.1).